The following is an entry in ClinVar:

NM_001127644.2(GABRA1):c.1299C>A (p.Ile433=)

Gene: GABRA1 (gamma-aminobutyric acid type A receptor subunit alpha1; plus strand). Cytogenetic location: 5q34.
Variant type: single nucleotide variant.
Coding change: c.1299C>A on transcript NM_001127644.2 (MANE Select); coding-DNA position 1299, C replaced by A.
Protein change: p.Ile433=; no amino-acid change (isoleucine 433 retained).
Molecular consequence: synonymous variant.
Genome position (GRCh38, 1-based): chr5:161,897,350, C>A. VCF-style: chr5-161897350-C-A. GRCh37 (hg19) VCF-style: chr5-161324356-C-A.
Other names: c.1299C>A, p.Ile433= (NM_000806.5, NM_001127643.2, NM_001127645.2 and 1 more transcripts).
Identifiers: ClinVar variation 509521 (VCV000509521.1), dbSNP rs1340729708, ClinGen allele CA447691904.

ClinVar aggregate classification (germline): Likely benign (1 of 4 stars; one submission).

Allele frequency attached by ClinVar (database versions not stated): TOPMed 0.00001; gnomAD 0.00001.
gnomAD v4.1: 6 of 1,614,070 alleles (0.00037%); highest among the groups gnomAD compares: Admixed American, 0.0017%; no homozygotes.

Submission:

GeneDx
Classification: Likely benign. Last evaluated: 2017-05-19. Review status: criteria provided, single submitter. Criteria: GeneDx Variant Classification (06012015). Collection method: clinical testing. Allele origin: germline. Affected: yes.
Comment: This variant is considered likely benign or benign based on one or more of the following criteria: it is a conservative change, it occurs at a poorly conserved position in the protein, it is predicted to be benign by multiple in silico algorithms, and/or has population frequency not consistent with disease.